The following is an entry in ClinVar:

NM_003283.6(TNNT1):c.193-3C>T

Genes: TNNT1 (troponin T1, slow skeletal type; minus strand), LOC130065089 (ATAC-STARR-seq lymphoblastoid active region 15077; plus strand). Cytogenetic location: 19q13.42.
Variant type: single nucleotide variant.
Coding change: c.193-3C>T on transcript NM_003283.6 (MANE Select); 3 bases into the intron before coding-DNA position 193, C replaced by T.
Molecular consequence: intron variant.
Genome position (GRCh38, 1-based): chr19:55,141,305, G>A on the plus strand (C>T on the coding strand, the complement: TNNT1 is on the minus strand). VCF-style: chr19-55141305-G-A. GRCh37 (hg19) VCF-style: chr19-55652673-G-A.
Other names: c.160-3C>T (NM_001291774.2, NM_001126133.3); c.193-3C>T (NM_001126132.3).
Identifiers: ClinVar variation 1943912 (VCV001943912.5), dbSNP rs371282459, ClinGen allele CA9667510.
Genomic context (GRCh38, chr19:55,141,305, plus strand): 5'-CATCGATGAGTGTCTGCAGCTCCAGCAGGTCTTTCTCCATGCGCTTGCGGTGGATGTCCT[G>A]CAGGACACACGGGCAGCCCGTCCTAGGAGACCCTGGAGGGGGCAGCAGCCTCCCAGCACC-3'

ClinVar aggregate classification (germline): Uncertain significance (1 of 4 stars; one submission).

Conditions:
Nemaline myopathy 5 (NEM5A). Also called: NEMALINE MYOPATHY, AMISH TYPE; NEMALINE MYOPATHY 5A, AUTOSOMAL RECESSIVE, SEVERE INFANTILE; Nemaline myopathy 5, Amish type. Identifiers: Orphanet 98902, MedGen C1854380, MONDO:0011539, OMIM 605355.

Allele frequency attached by ClinVar (database versions not stated): gnomAD exomes below 0.00001; TOPMed below 0.00001; ExAC 0.00001; gnomAD 0.00001; ESP Exome Variant Server 0.00008.
gnomAD v4.1: 4 of 1,612,938 alleles (0.00025%); highest among the groups gnomAD compares: Non-Finnish European, 0.00034%; no homozygotes.

Submission:

Labcorp Genetics (formerly Invitae), Labcorp
Classification: Uncertain significance for Nemaline myopathy 5. Last evaluated: 2024-02-17. Review status: criteria provided, single submitter. Criteria: Invitae Variant Classification Sherloc (09022015). Collection method: clinical testing. Allele origin: germline.
Comment: This sequence change falls in intron 7 of the TNNT1 gene. It does not directly change the encoded amino acid sequence of the TNNT1 protein. It affects a nucleotide within the consensus splice site. The frequency data for this variant in the population databases is considered unreliable, as metrics indicate poor data quality at this position in the gnomAD database. This variant has not been reported in the literature in individuals affected with TNNT1-related conditions. ClinVar contains an entry for this variant (Variation ID: 1943912). Variants that disrupt the consensus splice site are a relatively common cause of aberrant splicing (PMID: 17576681, 9536098). Algorithms developed to predict the effect of sequence changes on RNA splicing suggest that this variant is not likely to affect RNA splicing. In summary, the available evidence is currently insufficient to determine the role of this variant in disease. Therefore, it has been classified as a Variant of Uncertain Significance.

Literature cited by the submitters: PubMed 17576681; PubMed 9536098.